The following is an entry in ClinVar:

ClinVar aggregate classification (germline): Uncertain significance. Review status: criteria provided, multiple submitters, no conflicts (2 of 4 stars). 2 submissions from 2 submitters: Uncertain significance (2). Last evaluated 2023-12-27.

Conditions:
Inborn genetic diseases. Identifiers: MedGen C0950123, MeSH D030342.
Lysinuric protein intolerance (LPI). Identifiers: Orphanet 470, MedGen C0268647, MONDO:0009109, OMIM 222700.

Allele frequency attached by ClinVar (database versions not stated): ExAC 0.00001; TOPMed 0.00001; gnomAD exomes 0.00002.
gnomAD v4.1: 31 of 1,614,188 alleles (0.0019%); highest among the groups gnomAD compares: Non-Finnish European, 0.0026%; no homozygotes.

Submissions (2):

Ambry Genetics
Classification: Uncertain significance for Inborn genetic diseases. Last evaluated: 2023-12-27. Review status: criteria provided, single submitter. Criteria: Ambry Variant Classification Scheme 2023. Collection method: clinical testing. Allele origin: germline.

Labcorp Genetics (formerly Invitae), Labcorp
Classification: Uncertain significance for Lysinuric protein intolerance. Last evaluated: 2022-06-20. Review status: criteria provided, single submitter. Criteria: Invitae Variant Classification Sherloc (09022015). Collection method: clinical testing. Allele origin: germline.
Comment: This sequence change replaces glutamic acid, which is acidic and polar, with lysine, which is basic and polar, at codon 497 of the SLC7A7 protein (p.Glu497Lys). This variant is present in population databases (rs751007664, gnomAD 0.002%). This variant has not been reported in the literature in individuals affected with SLC7A7-related conditions. Algorithms developed to predict the effect of missense changes on protein structure and function (SIFT, PolyPhen-2, Align-GVGD) all suggest that this variant is likely to be tolerated. In summary, the available evidence is currently insufficient to determine the role of this variant in disease. Therefore, it has been classified as a Variant of Uncertain Significance.

NM_003982.4(SLC7A7):c.1489G>A (p.Glu497Lys)

Gene: SLC7A7 (solute carrier family 7 member 7; minus strand). Cytogenetic location: 14q11.2.
Variant type: single nucleotide variant.
Coding change: c.1489G>A on transcript NM_003982.4 (MANE Select); coding-DNA position 1489, G replaced by A.
Protein change: p.Glu497Lys; replaces glutamic acid 497 with lysine.
Molecular consequence: missense variant.
Genome position (GRCh38, 1-based): chr14:22,773,657, C>T on the plus strand (G>A on the coding strand, the complement: SLC7A7 is on the minus strand). VCF-style: chr14-22773657-C-T. GRCh37 (hg19) VCF-style: chr14-23242866-C-T.
Other names: c.1489G>A, p.Glu497Lys (NM_001126105.3, NM_001126106.4); short protein forms E497K.
Identifiers: ClinVar variation 2151575 (VCV002151575.2), dbSNP rs751007664, ClinGen allele CA7104368.